The following is an entry in ClinVar:

NC_012920.1(MT-ND6):m.14502T>C

Gene: MT-ND6 (mitochondrially encoded NADH dehydrogenase 6; minus strand).
Variant type: single nucleotide variant.
Genome position: chrM-14502-T-C.
Identifiers: ClinVar variation 690281 (VCV000690281.4), dbSNP rs201327354, ClinGen allele CA337100074.
Genomic context (GRCh38, chrMT:14,502, plus strand): 5'-ACTCCTCAATAGCCATCGCTGTAGTATATCCAAAGACAACCATCATTCCCCCTAAATAAA[T>C]TAAAAAAACTATTAAACCCATATAACCTCCCCCAAAATTCAGAATAATAACACACCCGAC-3'

ClinVar aggregate classification (germline): Benign. Review status: criteria provided, single submitter (1 of 4 stars). 3 submissions from 3 submitters: Benign (1). 2 of the submissions do not count toward it. Last evaluated 2019-10-17.

Conditions:
Leigh syndrome (NULS). Also called: Leigh's syndrome; Leigh Syndrome (mtDNA deletion); Leigh Disease; Subacute necrotizing encephalopathy; Necrotizing encephalopathy infantile subacute of Leigh; Leigh's necrotizing encephalopathy. Identifiers: Orphanet 506, MedGen C2931891, MONDO:0009723, OMIM 256000.
Auditory neuropathy spectrum disorder. Identifiers: MedGen C2732267.
Leber optic atrophy (LHON). Also called: Optic Atrophy, Hereditary, Leber; Leber hereditary optic neuropathy; Leber's disease; Leber's optic atrophy. Identifiers: Orphanet 104, MedGen C0917796, MONDO:0010788, OMIM 535000, HP:0001112.

Submissions (3):

Wong Mito Lab, Molecular and Human Genetics, Baylor College of Medicine
Classification: Benign for Leigh syndrome. Last evaluated: 2019-10-17. Review status: criteria provided, single submitter. Criteria: Modified ACMG Guidelines (Unpublished). Collection method: clinical testing. Allele origin: germline.
Comment: The NC_012920.1:m.14502T>C (YP_003024037.1:p.Ile58Val) variant in MTND6 gene is interpretated to be a Benign variant based on the modified ACMG guidelines (unpublished). This variant meets the following evidence codes: BS1, BS2, BP4

Department of Otolaryngology, Head and Neck Surgery, Beijing Friendship Hospital, Capital Medical University
Classification: Pathogenic for Auditory neuropathy spectrum disorder. Last evaluated: 2022-05-29. Review status: no assertion criteria provided. Collection method: clinical testing. Allele origin: maternal. Inheritance: Mitochondrial inheritance. Affected: yes. Not counted in ClinVar's aggregate classification.

Equipe Genetique des Anomalies du Developpement, Université de Bourgogne
Classification: risk factor for Leber optic atrophy. Last evaluated: 2018-12-12. Review status: no assertion criteria provided. Collection method: research. Allele origin: unknown. Affected: no. Observed: 3 variant alleles. Not counted in ClinVar's aggregate classification.